The following is an entry in ClinVar:

ClinVar aggregate classification (germline): Benign/Likely benign. Review status: criteria provided, multiple submitters, no conflicts (2 of 4 stars). 2 submissions from 2 submitters: Benign (1); Likely benign (1). Last evaluated 2024-07-02.

Conditions:
Oligodontia-cancer predisposition syndrome. Also called: TOOTH AGENESIS-COLORECTAL CANCER SYNDROME. Identifiers: Orphanet 300576, MedGen C1837750, MONDO:0012075, OMIM 608615. Disease mechanism: loss of function.

Submissions (2):

Myriad Genetics, Inc.
Classification: Benign for Oligodontia-cancer predisposition syndrome. Last evaluated: 2024-07-02. Review status: criteria provided, single submitter. Criteria: Myriad Autosomal Dominant, Autosomal Recessive and X-Linked Classification Criteria (2023). Collection method: clinical testing. Allele origin: unknown.
Comment: This variant is considered benign. This variant is a silent/synonymous amino acid change and it is not expected to impact splicing.

Labcorp Genetics (formerly Invitae), Labcorp
Classification: Likely benign for Oligodontia-cancer predisposition syndrome. Last evaluated: 2020-02-13. Review status: criteria provided, single submitter. Criteria: Invitae Variant Classification Sherloc (09022015). Collection method: clinical testing. Allele origin: germline.

NM_004655.4(AXIN2):c.1218C>A (p.Gly406=)

Gene: AXIN2 (axin 2; minus strand). Cytogenetic location: 17q24.1.
Variant type: single nucleotide variant.
Coding change: c.1218C>A on transcript NM_004655.4 (MANE Select); coding-DNA position 1218, C replaced by A.
Protein change: p.Gly406=; no amino-acid change (glycine 406 retained).
Molecular consequence: synonymous variant.
Genome position (GRCh38, 1-based): chr17:65,537,818, G>T on the plus strand (C>A on the coding strand, the complement: AXIN2 is on the minus strand). VCF-style: chr17-65537818-G-T. GRCh37 (hg19) VCF-style: chr17-63533936-G-T.
Other names: c.1218C>A, p.Gly406= (NM_001363813.1).
Identifiers: ClinVar variation 1087629 (VCV001087629.10), dbSNP rs1264541488, ClinGen allele CA501691391.